The following is an entry in ClinVar:

ClinVar aggregate classification (germline): Benign (1 of 4 stars; one submission).

Conditions:
Stuve-Wiedemann syndrome (STWS). Also called: Stüve-Wiedemann syndrome. Identifiers: Orphanet 3206, MedGen C0796176, MONDO:0031280.

Allele frequency attached by ClinVar (database versions not stated): gnomAD 0.00858 and 0.01215; TOPMed 0.01275; gnomAD exomes 0.03952; 1000 Genomes Project 30x 0.05262; 1000 Genomes Project 0.05751.
gnomAD v4.1: 4,695 of 228,882 alleles (2.1%); highest among the groups gnomAD compares: East Asian, 25%; 535 homozygotes.

Submission:

Illumina Laboratory Services, Illumina
Classification: Benign for Stüve-Wiedemann syndrome 1. Last evaluated: 2018-01-13. Review status: criteria provided, single submitter. Criteria: ICSL Variant Classification Criteria 13 December 2019. Collection method: clinical testing. Allele origin: germline.
Comment: This variant was observed in the ICSL laboratory as part of a predisposition screen in an ostensibly healthy population. It had not been previously curated by ICSL or reported in the Human Gene Mutation Database (HGMD: prior to June 1st, 2018), and was therefore a candidate for classification through an automated scoring system. Utilizing variant allele frequency, disease prevalence and penetrance estimates, and inheritance mode, an automated score was calculated to assess if this variant is too frequent to cause the disease. Based on the score and internal cut-off values, a variant classified as benign is not then subjected to further curation. The score for this variant resulted in a classification of benign for this disease.

NM_001127671.2(LIFR):c.*1459T>G

Gene: LIFR (LIF receptor subunit alpha; minus strand). Cytogenetic location: 5p13.1.
Variant type: single nucleotide variant.
Coding change: c.*1459T>G on transcript NM_001127671.2 (MANE Select); 1459 bases downstream of the stop codon, T replaced by G.
Molecular consequence: 3 prime UTR variant.
Genome position (GRCh38, 1-based): chr5:38,480,136, A>C on the plus strand (T>G on the coding strand, the complement: LIFR is on the minus strand). VCF-style: chr5-38480136-A-C. GRCh37 (hg19) VCF-style: chr5-38480238-A-C.
Other names: c.*1459T>G (NM_001364297.2, NM_001364298.2, NM_002310.6).
Identifiers: ClinVar variation 353587 (VCV000353587.5), dbSNP rs75965322, ClinGen allele CA10624803.